The following continues an entry in ClinVar:

NM_001005242.3(PKP2):c.2014-1G>C

Gene: PKP2. ClinVar aggregate classification (germline): Pathogenic. Pathogenic (33).

Submissions 10 to 24 of 40:

All of Us Research Program, National Institutes of Health
Classification: Pathogenic for Arrhythmogenic right ventricular cardiomyopathy. Last evaluated: 2024-09-03. Review status: criteria provided, single submitter. Criteria: ACMG Guidelines, 2015. Collection method: clinical testing. Allele origin: germline. Inheritance: Autosomal dominant inheritance. Observed: 15 variant alleles, 15 heterozygotes.
Comment: The c.2146-1G>C of the PKP2 gene has been reported in numerous (>30) individuals affected with Arrhythmogenic Right Ventricular Cardiomyopathy (PMID: 15489853, 16415378, 16549640, 17010805, 18554203, 19279339, 19358943, 19880068, 20031617, 19863551). This variant was found to segregate with disease in several families (PMID: 27335691, 25087486). However, it has also been seen in multiple asymptomatic individuals, suggesting incomplete penetrance (PMID: 17010805, 18554203, 27335691, 23810883). Experimental evidences suggest that this variant causes skipping of exon 11, which results in a frameshift and premature termination codon, leading to severely reduced expression of the PKP2 protein (PMID: 15489853, 19279339, 25087486). Loss of function variants of PKP2 are known to be pathogenic (PMID: 23911551, 15489853). This variant is found to be rare (9/282670) in the general population database (gnomAD) and interpreted as pathogenic by multiple submitters in the ClinVar database (ClinVar ID: 6756). Therefore, the c.2146-1G>C variant in the PKP2 gene is classified as pathogenic.

This study involves interpretation of variants in research participants for the purpose of population health screening. Participant phenotype was not available at the time of variant classification. Additional details can be found in publication PMID: 35346344, PMCID: PMC8962531

North West Genomic Laboratory Hub, Manchester University NHS Foundation Trust
Classification: Pathogenic for Arrhythmogenic right ventricular dysplasia 9. Last evaluated: 2024-08-28. Review status: criteria provided, single submitter. Criteria: ACGS Best Practice Guidelines for Variant Classification in Rare Disease 2020. Collection method: clinical testing. Allele origin: germline. Affected: yes.
Comment: PVS1_Str PS4_Str PP1_Mod PM2

Baylor Genetics
Classification: Pathogenic for Arrhythmogenic right ventricular dysplasia 9. Last evaluated: 2024-03-15. Review status: criteria provided, single submitter. Criteria: ACMG Guidelines, 2015. Collection method: clinical testing. Allele origin: unknown.

Color Diagnostics, LLC DBA Color Health
Classification: Pathogenic for Cardiomyopathy. Last evaluated: 2024-03-06. Review status: criteria provided, single submitter. Criteria: ACMG Guidelines, 2015. Collection method: clinical testing. Allele origin: germline.
Comment: This variant causes a G to C nucleotide substitution at the -1 position of intron 10 splice acceptor site of the PKP2 gene. Functional RNA studies have shown that this variant causes skipping of exon 11 and a premature truncation of the PKP2 gene product (PMID: 15489853, 25087486). This variant has been reported in over 40 individuals affected with arrhythmogenic cardiomyopathy (PMID: 15489853, 17010805, 17010805, 20031617, 20400443, 20857253, 23178689, 24784157, 25087486, 25087486, 27335691, 28523642, 35579515, 35653365, 37418234) and has been shown to segregate with disease in multiple families (PMID: 25087486, 27335691). This variant has been identified in 9/282670 chromosomes in the general population by the Genome Aggregation Database (gnomAD). Loss of PKP2 function is a known mechanism of disease. Based on available evidence, this variant is classified as Pathogenic.

Clinical Genetics Laboratory, Skane University Hospital Lund
Classification: Pathogenic. Last evaluated: 2023-10-05. Review status: criteria provided, single submitter. Criteria: ACMG Guidelines, 2015. Collection method: clinical testing. Allele origin: germline. Affected: yes.

Greenwood Genetic Center Diagnostic Laboratories, Greenwood Genetic Center
Classification: Pathogenic for Arrhythmogenic right ventricular dysplasia 9. Last evaluated: 2023-09-28. Review status: criteria provided, single submitter. Criteria: ACMG Guidelines, 2015. Collection method: clinical testing. Allele origin: germline.
Comment: PVS1, PS4

CeGaT Center for Human Genetics Tuebingen
Classification: Pathogenic. Last evaluated: 2023-08-01. Review status: criteria provided, single submitter. Criteria: CeGaT Center For Human Genetics Tuebingen Variant Classification Criteria Version 2. Collection method: clinical testing. Allele origin: germline. Affected: yes. Observed: 6 variant alleles.
Comment: PKP2: PVS1, PS4:Moderate

GeneDx
Classification: Pathogenic. Last evaluated: 2022-04-29. Review status: criteria provided, single submitter. Criteria: GeneDx Variant Classification Process June 2021. Collection method: clinical testing. Allele origin: germline. Affected: yes.
Comment: Reported in multiple individuals with ARVC referred for testing at GeneDx and in published literature (Gerull et al., 2004; Syrris et al., 2006; Dalal et al., 2006; den Haan et al., 2009; Watkins et al., 2009; Fressart et al., 2010; Tan et al., 2010; Perrin et al., 2013; Kant et al., 2016; Svensson et al., 2016); Canonical splice site variant in a gene for which loss-of-function is a known mechanism of disease; Functional studies revealed c.2146-1 G>C causes skipping of exon 11, resulting in a shift in reading frame (Groeneweg et al., 2014); This variant is associated with the following publications: (PMID: 20525856, 20152563, 16415378, 19279339, 30790397, 30868567, 21606390, 20864495, 25525159, 19880068, 20857253, 15489853, 17010805, 18554203, 20031617, 20400443, 27335691, 26676851, 24784157, 23810883, 28518168, 28253841, 29997227, 27532257, 24585727, 23812740, 21636032, 21606396, 28177452, 26264440, 25351510, 19863551, 19302745, 29253866, 30998997, 30677492, 19955750, 16549640, 31737537, 31447099, 25825460, 32372669, 31386562, 31402444, 25087486, 32522011, 33232181, 33238575, 32686758, 34135346, 33087929)

CHEO Genetics Diagnostic Laboratory, Children's Hospital of Eastern Ontario
Classification: Pathogenic for Cardiomyopathy. Last evaluated: 2022-03-10. Review status: criteria provided, single submitter. Criteria: ACMG Guidelines, 2015. Collection method: clinical testing. Allele origin: germline.

MGZ Medical Genetics Center
Classification: Pathogenic for Arrhythmogenic right ventricular dysplasia 9. Last evaluated: 2021-11-08. Review status: criteria provided, single submitter. Criteria: ACMG Guidelines, 2015. Collection method: clinical testing. Allele origin: germline. Affected: yes. Observed: 1 variant allele.
Comment: ACMG criteria applied: PVS1, PM2_SUP, PP1

Fulgent Genetics
Classification: Pathogenic for Arrhythmogenic right ventricular dysplasia 9. Last evaluated: 2021-10-05. Review status: criteria provided, single submitter. Criteria: ACMG Guidelines, 2015. Collection method: clinical testing. Allele origin: unknown.

Laan Lab, Human Genetics Research Group, University of Tartu
Classification: Pathogenic for Arrhythmogenic right ventricular dysplasia 9. Last evaluated: 2021-05-01. Review status: criteria provided, single submitter. Criteria: ACMG Guidelines, 2015. Collection method: research. Allele origin: unknown. Observed: 1 variant allele, 1 heterozygote.

Laboratory for Molecular Medicine, Mass General Brigham Personalized Medicine
Classification: Pathogenic for Arrhythmogenic right ventricular cardiomyopathy. Last evaluated: 2021-04-28. Review status: criteria provided, single submitter. Criteria: ACMG Guidelines, 2015. Collection method: clinical testing. Allele origin: germline. Inheritance: Autosomal dominant inheritance.
Comment: The c.2146-1G>C variant in PKP2 has been reported in >30 individuals with ARVC (Gerull 2004 PMID: 15489853, Syrris 2006 PMID: 16415378, Dalal 2006 PMID: 16549640, Watkins 2009 PMID: 19880068, den Haan 2009 PMID: 20031617, Asimaki 2009 PMID: 19279339, La Gerche 2010 PMID: 20525856, Fressart 2010 PMID: 20400443, Borahona-Dussault 2010 PMID: 19863551, Cox 2011 PMID: 21606396, Baskin 2013 PMID: 23812740, Philips 2014 PMID: 24585727, Svensson 2016 PMID: 27335691, Walsh 2017 PMID: 27532257, LMM data) and segregated with disease in at least 8 affected relatives from 5 families (Groeneweg 2014 PMID: 25087486, Svensson 2016 PMID: 27335691, LMM data). However, it has also been observed in multiple unaffected individuals over the age of 50, which suggests that penetrance may be reduced (Perrin 2013 PMID: 23810883, Svensson 2016 PMID: 27335691, LMM data). It has also been identified in 0.007% (9/129048) of European chromosomes by gnomAD. Please note that for diseases with clinical variability or reduced penetrance, pathogenic variants may be present at a low frequency in the general population. The c.2146-1G>C variant has been shown to cause skipping of exon 11, resulting in a frameshift (p.Pro716fs) and premature termination 32 amino acids downstream, ultimately leading to a marked reduction of PKP2 protein in the myocardium (Gerull 2004 PMID: 15489853, Asimaki 2009 PMID: 19279339, Groeneweg 2014 PMID: 25087486). Heterozygous loss of PKP2 function is an established disease mechanism in individuals with ARVC. In summary, this variant meets criteria to be classified as pathogenic for ARVC in an autosomal dominant manner; however, it should be noted that penetrance may be reduced. ACMG/AMP Criteria applied: PVS1, PS4, PM2_Supporting, PP1_Moderate.

Women's Health and Genetics/Laboratory Corporation of America, LabCorp
Classification: Pathogenic for Arrhythmogenic right ventricular cardiomyopathy. Last evaluated: 2019-08-26. Review status: criteria provided, single submitter. Criteria: LabCorp Variant Classification Summary - May 2015. Collection method: clinical testing. Allele origin: germline.
Comment: Variant summary: PKP2 c.2146-1G>C is located in a canonical splice-site and is predicted to affect mRNA splicing resulting in a significantly altered protein due to either exon skipping, shortening, or inclusion of intronic material. Two computational tools predict a significant impact on normal splicing, specifically that the variant abolishes a 3' acceptor site. This prediction was confirmed by experimental evidence that demonstrated this variant affects mRNA splicing resulting in exon 11 skipping (Gerull_2004, Groeneweg_2014). The variant allele was found at a frequency of 3.2e-05 in 251262 control chromosomes (gnomAD). c.2146-1G>C has been reported in the literature in numerous individuals affected with Arrhythmogenic Right Ventricular Dysplasia/Cardiomyopathy, including unrelated families where the variant co-segregated with the disease, though incomplete co-segregation was also observed suggesting somewhat reduced penetrance (Dalal_2006, Fressart_2010, Gerull_2004, Groeneweg_2014, Syrris_2006). These data indicate that the variant is very likely to be associated with disease. Immunohistochemical studies indicated marked reduction of the PKP2 protein level in a myocardium sample from an affected individual (Asimaki_2009). 11 ClinVar submitters (evaluation after 2014) cite the variant as pathogenic. Based on the evidence outlined above, the variant was classified as pathogenic.

Equipe Genetique des Anomalies du Developpement, Université de Bourgogne
Classification: Pathogenic for Arrhythmogenic right ventricular dysplasia 9. Last evaluated: 2019-05-21. Review status: criteria provided, single submitter. Criteria: ACMG Guidelines, 2015. Collection method: clinical testing. Allele origin: unknown. Affected: yes.